The following is an entry in ClinVar:

NM_001366385.1(CARD14):c.925C>T (p.Arg309Trp)

Gene: CARD14 (caspase recruitment domain family member 14; plus strand). Cytogenetic location: 17q25.3.
Variant type: single nucleotide variant.
Coding change: c.925C>T on transcript NM_001366385.1 (MANE Select); coding-DNA position 925, C replaced by T.
Protein change: p.Arg309Trp; replaces arginine 309 with tryptophan.
Molecular consequence: missense variant. On other transcripts: non-coding transcript variant (1).
Genome position (GRCh38, 1-based): chr17:80,189,834, C>T. VCF-style: chr17-80189834-C-T. GRCh37 (hg19) VCF-style: chr17-78163633-C-T.
Other names: c.925C>T, p.Arg309Trp (NM_001257970.1, NM_024110.4); c.214C>T, p.Arg72Trp (NM_052819.3); short protein forms R72W, R309W.
Identifiers: ClinVar variation 2085259 (VCV002085259.4), dbSNP rs371741250, ClinGen allele CA401344069.
Genomic context (GRCh38, chr17:80,189,834, plus strand): 5'-CAGAGCCTGGACGAGGCGCGGGGGAGCCGACAGGAGCTGGTGGAGCGCATCCACTCGCTG[C>T]GGGAGCGGGCCGTGGCTGCCGAGAGGCAGCGAGAGCAGGTGCCGTGTGAGCCCTTCCTCC-3'
Protein context (NP_001353314.1, residues 299-319): QELVERIHSL[Arg309Trp]ERAVAAERQR

ClinVar aggregate classification (germline): Uncertain significance (1 of 4 stars; one submission).

Conditions:
Psoriasis 2. Identifiers: MedGen C1864497, MONDO:0011269, OMIM 602723.
Pityriasis rubra pilaris (PRP). Also called: Pityriasis rubra pilaris--familial type. Identifiers: Orphanet 2897, MedGen C0032027, MONDO:0100017, OMIM 173200, MONDO:0008251.

gnomAD v4.1: 84 of 1,587,664 alleles (0.0053%); highest among the groups gnomAD compares: Non-Finnish European, 0.0071%; no homozygotes.

Submission:

Labcorp Genetics (formerly Invitae), Labcorp
Classification: Uncertain significance for Pityriasis rubra pilaris; Psoriasis 2. Last evaluated: 2025-03-18. Review status: criteria provided, single submitter. Criteria: Invitae Variant Classification Sherloc (09022015). Collection method: clinical testing. Allele origin: germline.
Comment: This sequence change replaces arginine, which is basic and polar, with tryptophan, which is neutral and slightly polar, at codon 309 of the CARD14 protein (p.Arg309Trp). The frequency data for this variant in the population databases is considered unreliable, as metrics indicate poor data quality at this position in the gnomAD database. This variant has not been reported in the literature in individuals affected with CARD14-related conditions. ClinVar contains an entry for this variant (Variation ID: 2085259). Invitae Evidence Modeling of protein sequence and biophysical properties (such as structural, functional, and spatial information, amino acid conservation, physicochemical variation, residue mobility, and thermodynamic stability) has been performed for this missense variant. However, the output from this modeling did not meet the statistical confidence thresholds required to predict the impact of this variant on CARD14 protein function. In summary, the available evidence is currently insufficient to determine the role of this variant in disease. Therefore, it has been classified as a Variant of Uncertain Significance.